The following is an entry in ClinVar:

NM_000396.4(CTSK):c.784+4A>G

Gene: CTSK (cathepsin K; minus strand). Cytogenetic location: 1q21.3.
Variant type: single nucleotide variant.
Coding change: c.784+4A>G on transcript NM_000396.4 (MANE Select); 4 bases into the intron after coding-DNA position 784, A replaced by G.
Molecular consequence: intron variant.
Genome position (GRCh38, 1-based): chr1:150,799,540, T>C on the plus strand (A>G on the coding strand, the complement: CTSK is on the minus strand). VCF-style: chr1-150799540-T-C. GRCh37 (hg19) VCF-style: chr1-150772016-T-C.
Identifiers: ClinVar variation 2194913 (VCV002194913.1), dbSNP rs201251502, ClinGen allele CA1080440.

ClinVar aggregate classification (germline): Uncertain significance (1 of 4 stars; one submission).

Allele frequency attached by ClinVar (database versions not stated): TOPMed 0.00002; gnomAD 0.00003; gnomAD exomes 0.00003; ExAC 0.00013.
gnomAD v4.1: 46 of 1,614,078 alleles (0.0028%); highest among the groups gnomAD compares: Non-Finnish European, 0.0037%; no homozygotes.

Submission:

Labcorp Genetics (formerly Invitae), Labcorp
Classification: Uncertain significance. Last evaluated: 2022-08-30. Review status: criteria provided, single submitter. Criteria: Invitae Variant Classification Sherloc (09022015). Collection method: clinical testing. Allele origin: germline.
Comment: This sequence change falls in intron 6 of the CTSK gene. It does not directly change the encoded amino acid sequence of the CTSK protein. It affects a nucleotide within the consensus splice site. This variant is present in population databases (rs201251502, gnomAD 0.02%). This variant has not been reported in the literature in individuals affected with CTSK-related conditions. Variants that disrupt the consensus splice site are a relatively common cause of aberrant splicing (PMID: 17576681, 9536098). Algorithms developed to predict the effect of sequence changes on RNA splicing suggest that this variant is not likely to affect RNA splicing. In summary, the available evidence is currently insufficient to determine the role of this variant in disease. Therefore, it has been classified as a Variant of Uncertain Significance.

Literature cited by the submitters: PubMed 17576681; PubMed 9536098.